The following is an entry in ClinVar:

ClinVar aggregate classification (germline): Uncertain significance (1 of 4 stars; one submission).

Allele frequency attached by ClinVar (database versions not stated): gnomAD 0.00001; gnomAD exomes below 0.00001; TOPMed below 0.00001.
gnomAD v4.1: 6 of 1,613,728 alleles (0.00037%); highest among the groups gnomAD compares: South Asian, 0.0022%; no homozygotes.

Submission:

Labcorp Genetics (formerly Invitae), Labcorp
Classification: Uncertain significance. Last evaluated: 2022-07-21. Review status: criteria provided, single submitter. Criteria: Invitae Variant Classification Sherloc (09022015). Collection method: clinical testing. Allele origin: germline.
Comment: Algorithms developed to predict the effect of missense changes on protein structure and function are either unavailable or do not agree on the potential impact of this missense change (SIFT: "Deleterious"; PolyPhen-2: "Benign"; Align-GVGD: "Class C55"). This variant has not been reported in the literature in individuals affected with MYH3-related conditions. This variant is present in population databases (no rsID available, gnomAD 0.003%). This sequence change replaces alanine, which is neutral and non-polar, with threonine, which is neutral and polar, at codon 1923 of the MYH3 protein (p.Ala1923Thr). In summary, the available evidence is currently insufficient to determine the role of this variant in disease. Therefore, it has been classified as a Variant of Uncertain Significance.

NM_002470.4(MYH3):c.5767G>A (p.Ala1923Thr)

Gene: MYH3 (myosin heavy chain 3; minus strand). Cytogenetic location: 17p13.1.
Variant type: single nucleotide variant.
Coding change: c.5767G>A on transcript NM_002470.4 (MANE Select); coding-DNA position 5767, G replaced by A.
Protein change: p.Ala1923Thr; replaces alanine 1923 with threonine.
Molecular consequence: missense variant.
Genome position (GRCh38, 1-based): chr17:10,629,626, C>T on the plus strand (G>A on the coding strand, the complement: MYH3 is on the minus strand). VCF-style: chr17-10629626-C-T. GRCh37 (hg19) VCF-style: chr17-10532943-C-T.
Other names: short protein forms A1923T.
Identifiers: ClinVar variation 2041654 (VCV002041654.4), dbSNP rs1478130032, ClinGen allele CA398129188.